The following is an entry in ClinVar:

ClinVar aggregate classification (germline): Likely pathogenic. Review status: criteria provided, multiple submitters, no conflicts (2 of 4 stars). 2 submissions from 2 submitters: Likely pathogenic (2). Last evaluated 2026-04-14.

Conditions:
Familial thoracic aortic aneurysm and aortic dissection (TAAD). Also called: Thoracic aortic aneurysms and dissections. Identifiers: Orphanet 91387, MedGen C4707243, MONDO:0019625.
Marfan syndrome (MFS). Also called: FBN1-Related Marfan Syndrome; Marfan's syndrome; Marfan syndrome, classic; MARFAN SYNDROME, TYPE I; Marfan syndrome type 1. Identifiers: Orphanet 284963, Orphanet 558, MedGen C0024796, MONDO:0007947, OMIM 154700.
Cardiovascular phenotype. Identifiers: MedGen CN230736.

Submissions (2):

Molecular Diagnostic Laboratory for Inherited Cardiovascular Disease, Montreal Heart Institute
Classification: Likely pathogenic for Cardiovascular phenotype. Last evaluated: 2026-04-14. Review status: criteria provided, single submitter. Criteria: ACMG Guidelines, 2015. Collection method: clinical testing. Allele origin: germline. Affected: yes.
Comment: PM2, PM5, PP2, PP3, PP4

Labcorp Genetics (formerly Invitae), Labcorp
Classification: Likely pathogenic for Marfan syndrome; Familial thoracic aortic aneurysm and aortic dissection. Last evaluated: 2017-05-26. Review status: criteria provided, single submitter. Criteria: Invitae Variant Classification Sherloc (09022015). Collection method: clinical testing. Allele origin: germline.
Comment: This sequence change replaces glycine with tryptophan at codon 985 of the FBN1 protein (p.Gly985Trp). The glycine residue is highly conserved and there is a large physicochemical difference between glycine and tryptophan. This variant is not present in population databases (ExAC no frequency) and has not been reported in the literature in individuals with a FBN1-related disease. Family studies have indicated that this variant was not present in the parents of an individual with an FBN1-related disease, which suggests that it was de novo in that affected individual (Invitae). Algorithms developed to predict the effect of missense changes on protein structure and function do not agree on the potential impact of this missense change (SIFT: "Deleterious"; PolyPhen-2: "Probably Damaging"; Align-GVGD: "Class C15"). In summary, this variant is a novel missense change with uncertain impact on protein function that has been observed to arise de novo in an affected individual. For these reasons, this variant has been classified as Likely Pathogenic.

NM_000138.5(FBN1):c.2953G>T (p.Gly985Trp)

Gene: FBN1 (fibrillin 1; minus strand). Cytogenetic location: 15q21.1.
Variant type: single nucleotide variant.
Coding change: c.2953G>T on transcript NM_000138.5 (MANE Select); coding-DNA position 2953, G replaced by T.
Protein change: p.Gly985Trp; replaces glycine 985 with tryptophan.
Molecular consequence: missense variant.
Genome position (GRCh38, 1-based): chr15:48,489,980, C>A on the plus strand (G>T on the coding strand, the complement: FBN1 is on the minus strand). VCF-style: chr15-48489980-C-A. GRCh37 (hg19) VCF-style: chr15-48782177-C-A.
Other names: short protein forms G985W.
Identifiers: ClinVar variation 457185 (VCV000457185.2), dbSNP rs794728199, ClinGen allele CA392329497.
Genomic context (GRCh38, chr15:48,489,980, plus strand): 5'-CGTACTCAGGAGTATTTCTCATGGGACACTCCTCGCATTCCTCAGTACCCCAGGCTGCCC[C>A]GACGGAGCAGCAGCAGGCGTCCATGCGGTGGCGGCCAGCAATAGGCAGGGTGCACTCCTC-3'
Protein context (NP_000129.3, residues 975-995): HRMDACCCSV[Gly985Trp]AAWGTEECEE